The following is an entry in ClinVar:

NM_017617.5(NOTCH1):c.151dup (p.Ala51fs)

Gene: NOTCH1 (notch receptor 1; minus strand). Cytogenetic location: 9q34.3.
Variant type: Duplication.
Coding change: c.151dup on transcript NM_017617.5 (MANE Select); coding-DNA position 151, one base duplicated (G; older notation c.151dupG).
Protein change: p.Ala51fs; shifts the reading frame from alanine 51.
Molecular consequence: frameshift variant.
Genome position (GRCh38, 1-based): chr9:136,523,969, C duplicated on the plus strand (G on the coding strand, the reverse complement: NOTCH1 is on the minus strand); the first of 4 consecutive C bases (chr9:136,523,969-136,523,972); duplicating any one gives the same sequence. VCF-style (leftmost placement, unchanged base first): chr9-136523968-G-GC. GRCh37 (hg19) VCF-style: chr9-139418420-G-GC.
Other names: short protein forms A51fs.
Identifiers: ClinVar variation 5019781 (VCV005019781.1).

ClinVar aggregate classification (germline): Likely pathogenic (1 of 4 stars; one submission).

Conditions:
Adams-Oliver syndrome 5 (AOS5). Identifiers: Orphanet 974, MedGen C4014970, MONDO:0014459, OMIM 616028.

Submission:

Juno Genomics, Hangzhou Juno Genomics, Inc
Classification: Likely pathogenic for Adams-Oliver syndrome 5. Review status: criteria provided, single submitter. Criteria: ACMG Guidelines, 2015. Collection method: clinical testing. Allele origin: germline. Affected: yes.
Comment: Absent from controls (or at extremely low frequency if recessive) in Genome Aggregation Database.;Null variant in a gene where loss of function (LOF) is a known mechanism of disease.